The following is an entry in ClinVar:

ClinVar aggregate classification (germline): Uncertain significance (1 of 4 stars; one submission).

gnomAD v4.1: 1 of 1,612,116 alleles (0.000062%); highest among the groups gnomAD compares: Non-Finnish European, 0.000085%; no homozygotes.

Submission:

Labcorp Genetics (formerly Invitae), Labcorp
Classification: Uncertain significance. Last evaluated: 2025-02-24. Review status: criteria provided, single submitter. Criteria: Invitae Variant Classification Sherloc (09022015). Collection method: clinical testing. Allele origin: germline.
Comment: This sequence change replaces arginine, which is basic and polar, with lysine, which is basic and polar, at codon 1677 of the COL11A1 protein (p.Arg1677Lys). This variant is not present in population databases (gnomAD no frequency). This variant has not been reported in the literature in individuals affected with COL11A1-related conditions. Invitae Evidence Modeling of protein sequence and biophysical properties (such as structural, functional, and spatial information, amino acid conservation, physicochemical variation, residue mobility, and thermodynamic stability) indicates that this missense variant is not expected to disrupt COL11A1 protein function with a negative predictive value of 80%. In summary, the available evidence is currently insufficient to determine the role of this variant in disease. Therefore, it has been classified as a Variant of Uncertain Significance.

NM_001854.4(COL11A1):c.5030G>A (p.Arg1677Lys)

Gene: COL11A1 (collagen type XI alpha 1 chain; minus strand). Cytogenetic location: 1p21.1.
Variant type: single nucleotide variant.
Coding change: c.5030G>A on transcript NM_001854.4 (MANE Select); coding-DNA position 5030, G replaced by A.
Protein change: p.Arg1677Lys; replaces arginine 1677 with lysine.
Molecular consequence: missense variant. On other transcripts: non-coding transcript variant (1).
Genome position (GRCh38, 1-based): chr1:102,881,707, C>T on the plus strand (G>A on the coding strand, the complement: COL11A1 is on the minus strand). VCF-style: chr1-102881707-C-T. GRCh37 (hg19) VCF-style: chr1-103347263-C-T.
Other names: c.4913G>A, p.Arg1638Lys (NM_001190709.2); c.5066G>A, p.Arg1689Lys (NM_080629.3); c.4682G>A, p.Arg1561Lys (NM_080630.4); short protein forms R1561K, R1638K, R1677K, R1689K.
Identifiers: ClinVar variation 4808867 (VCV004808867.1).
Genomic context (GRCh38, chr1:102,881,707, plus strand): 5'-TCACTTCTTGAGTTCGTGAAAAATCGTTTCATGTTGAGGTAATAACATACCAGTTTTCCC[C>T]TCTTAAATTCACTAAACCAACTTCCTGGTTTCTCCTTTGGCCATGATGAAATTCTTACCT-3'
Protein context (NP_001845.3, residues 1667-1687): KPGSWFSEFK[Arg1677Lys]GKLLSYLDVE